The following is an entry in ClinVar:

NM_004168.4(SDHA):c.113A>G (p.Asp38Gly)

Gene: SDHA (succinate dehydrogenase complex flavoprotein subunit A; plus strand). Cytogenetic location: 5p15.33.
Variant type: single nucleotide variant.
Coding change: c.113A>G on transcript NM_004168.4 (MANE Select); coding-DNA position 113, A replaced by G.
Protein change: p.Asp38Gly; replaces aspartic acid 38 with glycine.
Molecular consequence: missense variant.
Genome position (GRCh38, 1-based): chr5:223,531, A>G. VCF-style: chr5-223531-A-G. GRCh37 (hg19) VCF-style: chr5-223646-A-G.
Other names: NC_000005.9:g.223646A>G; c.113A>G, p.Asp38Gly (NM_001294332.2, NM_001330758.2); c.113A>G (NM_004168.2); short protein forms D38G.
Identifiers: ClinVar variation 4315294 (VCV004315294.2).
Genomic context (GRCh38, chr5:223,531, plus strand): 5'-TGTGTCTCCAGTGGCCAACAGTGTTGCAAACAGGAACCCGAGGTTTTCACTTCACTGTTG[A>G]TGGGAACAAGAGGGCATCTGCTAAAGTTTCAGATTCCGTAAGTTCATGCTTTTTGTTCCA-3'
Protein context (NP_004159.2, residues 28-48): TGTRGFHFTV[Asp38Gly]GNKRASAKVS

ClinVar aggregate classification (germline): Uncertain significance (1 of 4 stars; one submission).

Conditions:
Hereditary cancer-predisposing syndrome. Also called: Neoplastic Syndromes, Hereditary; Tumor predisposition; Hereditary Cancer Syndrome; Hereditary neoplastic syndrome. Identifiers: Orphanet 140162, MedGen C0027672, MeSH D009386, MONDO:0015356.

Submissions (6):

Ambry Genetics
Classification: Uncertain significance for Hereditary cancer-predisposing syndrome. Last evaluated: 2026-03-04. Review status: criteria provided, single submitter. Criteria: Ambry Variant Classification Scheme 2023. Collection method: clinical testing. Allele origin: germline.
Comment: The p.D38G variant (also known as c.113A>G), located in coding exon 2 of the SDHA gene, results from an A to G substitution at nucleotide position 113. The aspartic acid at codon 38 is replaced by glycine, an amino acid with similar properties. This amino acid position is conserved. In addition, this alteration is predicted to be tolerated by in silico analysis. Based on the available evidence, the clinical significance of this variant remains unclear.

Dr. Peter K. Rogan Lab, Western University
No classification provided (evidence only). Condition: Thyroid cancer, nonmedullary, 1. Review status: no classification provided. Collection method: in vitro. Allele origin: not applicable. Functional consequence: retained intron. Not counted in ClinVar's aggregate classification.

Dr. Peter K. Rogan Lab, Western University
No classification provided (evidence only). Condition: Nonpapillary renal cell carcinoma. Review status: no classification provided. Collection method: in vitro. Allele origin: not applicable. Functional consequence: retained intron. Not counted in ClinVar's aggregate classification.

Dr. Peter K. Rogan Lab, Western University
No classification provided (evidence only). Condition: Nonpapillary renal cell carcinoma. Review status: no classification provided. Collection method: in vitro. Allele origin: not applicable. Functional consequence: retained intron. Not counted in ClinVar's aggregate classification.

Dr. Peter K. Rogan Lab, Western University
No classification provided (evidence only). Condition: Ovarian serous cystadenocarcinoma. Review status: no classification provided. Collection method: in vitro. Allele origin: not applicable. Functional consequence: retained intron. Not counted in ClinVar's aggregate classification.

Dr. Peter K. Rogan Lab, Western University
No classification provided (evidence only). Condition: Ovarian serous cystadenocarcinoma. Review status: no classification provided. Collection method: in vitro. Allele origin: not applicable. Functional consequence: retained intron. Not counted in ClinVar's aggregate classification.